The following is an entry in ClinVar:

ClinVar aggregate classification (germline): Likely benign (1 of 4 stars; one submission).

gnomAD v4.1: 7 of 1,613,246 alleles (0.00043%); highest among the groups gnomAD compares: Admixed American, 0.0017%; no homozygotes.

Submission:

Athena Diagnostics
Classification: Likely benign. Last evaluated: 2025-04-16. Review status: criteria provided, single submitter. Criteria: Athena Diagnostics Criteria. Collection method: clinical testing. Allele origin: unknown.
Comment: Computational tools yielded predictions that this variant is unlikely to have an effect on normal RNA splicing. This nucleotide position exhibits low evolutionary conservation. This variant has been seen where an alternate explanation for disease was also identified.

NM_001961.4(EEF2):c.218+9C>T

Gene: EEF2 (eukaryotic translation elongation factor 2; minus strand). Cytogenetic location: 19p13.3.
Variant type: single nucleotide variant.
Coding change: c.218+9C>T on transcript NM_001961.4 (MANE Select); 9 bases into the intron after coding-DNA position 218, C replaced by T.
Molecular consequence: intron variant.
Genome position (GRCh38, 1-based): chr19:3,984,127, G>A on the plus strand (C>T on the coding strand, the complement: EEF2 is on the minus strand). VCF-style: chr19-3984127-G-A. GRCh37 (hg19) VCF-style: chr19-3984125-G-A.
Identifiers: ClinVar variation 4682420 (VCV004682420.1).